The following is an entry in ClinVar:

NM_032043.3(BRIP1):c.2846del (p.Pro949fs)

Gene: BRIP1 (BRCA1 interacting DNA helicase 1; minus strand). Cytogenetic location: 17q23.2.
Variant type: Deletion.
Coding change: c.2846del on transcript NM_032043.3 (MANE Select); coding-DNA position 2846, one base deleted (C; older notation c.2846delC).
Protein change: p.Pro949fs; shifts the reading frame from proline 949.
Molecular consequence: frameshift variant.
Genome position (GRCh38, 1-based): chr17:61,685,895, G deleted on the plus strand (C on the coding strand, the reverse complement: BRIP1 is on the minus strand); the first of 2 consecutive G bases (chr17:61,685,895-61,685,896); deleting either gives the same sequence. VCF-style (leftmost placement, unchanged base first): chr17-61685894-AG-A. GRCh37 (hg19) VCF-style: chr17-59763255-AG-A.
Other names: short protein forms P949fs.
Identifiers: ClinVar variation 2584238 (VCV002584238.2), dbSNP rs2544570270, ClinGen allele CA2582342315.

ClinVar aggregate classification (germline): Pathogenic (1 of 4 stars; one submission).

Conditions:
Familial cancer of breast. Also called: BREAST CANCER, FAMILIAL; hereditary breast carcinoma; Hereditary breast cancer. Identifiers: Orphanet 227535, MedGen C0346153, MONDO:0016419, OMIM 114480. Disease mechanism: loss of function.

Submission:

Myriad Genetics, Inc.
Classification: Pathogenic for Familial cancer of breast. Last evaluated: 2023-06-07. Review status: criteria provided, single submitter. Criteria: Myriad Autosomal Dominant, Autosomal Recessive and X-Linked Classification Criteria (2023). Collection method: clinical testing. Allele origin: unknown.
Comment: This variant is considered pathogenic. This variant creates a frameshift predicted to result in premature protein truncation.